The following is an entry in ClinVar:

ClinVar aggregate classification (germline): Likely pathogenic (1 of 4 stars; one submission).

Conditions:
Early-infantile DEE. Also called: Ohtahara syndrome; Early infantile epileptic encephalopathy with suppression bursts; Early infantile epileptic encephalopathy. Identifiers: Orphanet 1934, MedGen C0393706, MONDO:0800491.

Submission:

Labcorp Genetics (formerly Invitae), Labcorp
Classification: Likely pathogenic for Early-infantile DEE. Last evaluated: 2022-06-17. Review status: criteria provided, single submitter. Criteria: Invitae Variant Classification Sherloc (09022015). Collection method: clinical testing. Allele origin: germline.
Comment: This sequence change affects a donor splice site in intron 4 of the GNAO1 gene. It is expected to disrupt RNA splicing. Variants that disrupt the donor or acceptor splice site typically lead to a loss of protein function (PMID: 16199547), and loss-of-function variants in GNAO1 are known to be pathogenic (PMID: 28747448). This variant is not present in population databases (gnomAD no frequency). In summary, the currently available evidence indicates that the variant is pathogenic, but additional data are needed to prove that conclusively. Therefore, this variant has been classified as Likely Pathogenic. Algorithms developed to predict the effect of sequence changes on RNA splicing suggest that this variant may disrupt the consensus splice site. Disruption of this splice site has been observed in individual(s) with clinical features of GNAO1-related conditions (Invitae).

Literature cited by the submitters: PubMed 16199547; PubMed 28747448.

NM_020988.3(GNAO1):c.464+2T>C

Gene: GNAO1 (G protein subunit alpha o1; plus strand). Cytogenetic location: 16q13.
Variant type: single nucleotide variant.
Coding change: c.464+2T>C on transcript NM_020988.3 (MANE Select); the canonical splice donor site of the intron after coding-DNA position 464, T replaced by C.
Molecular consequence: splice donor variant.
Genome position (GRCh38, 1-based): chr16:56,328,793, T>C. VCF-style: chr16-56328793-T-C. GRCh37 (hg19) VCF-style: chr16-56362705-T-C.
Other names: c.464+2T>C (NM_138736.3).
Identifiers: ClinVar variation 1475821 (VCV001475821.7), dbSNP rs2143647375, ClinGen allele CA395950623.
Genomic context (GRCh38, chr16:56,328,793, plus strand): 5'-GGAATCCAAGAGTGCTTCAACCGGTCCCGGGAGTATCAGCTCAACGACTCTGCCAAATAG[T>C]GAGTGTCCCAGCGGGCGCATGGCCTGGAGCCGGGCAGTGATGCGGGAGTGGAAGGGACTG-3'